The following is an entry in ClinVar:

NM_005918.4(MDH2):c.788T>C (p.Val263Ala)

Gene: MDH2 (malate dehydrogenase 2; plus strand). Cytogenetic location: 7q11.23.
Variant type: single nucleotide variant.
Coding change: c.788T>C on transcript NM_005918.4 (MANE Select); coding-DNA position 788, T replaced by C.
Protein change: p.Val263Ala; replaces valine 263 with alanine.
Molecular consequence: missense variant.
Genome position (GRCh38, 1-based): chr7:76,064,856, T>C. VCF-style: chr7-76064856-T-C. GRCh37 (hg19) VCF-style: chr7-75694174-T-C.
Other names: c.662T>C, p.Val221Ala (NM_001282403.2); c.467T>C, p.Val156Ala (NM_001282404.2); short protein forms V156A, V221A, V263A.
Identifiers: ClinVar variation 1761047 (VCV001761047.2), dbSNP rs1798052193, ClinGen allele CA367768248.
Genomic context (GRCh38, chr7:76,064,856, plus strand): 5'-CCCTAGGCTCTGCCACCCTCTCCATGGCGTATGCCGGCGCCCGCTTTGTCTTCTCCCTTG[T>C]GGATGCAATGAATGGAAAGGAAGGTGTTGTGGAATGTTCCTTCGTTAAGTCACAGGAAAC-3'
Protein context (NP_005909.2, residues 253-273): YAGARFVFSL[Val263Ala]DAMNGKEGVV

ClinVar aggregate classification (germline): Uncertain significance (1 of 4 stars; one submission).

Conditions:
Inborn genetic diseases. Identifiers: MedGen C0950123, MeSH D030342.

Allele frequency attached by ClinVar (database versions not stated): TOPMed below 0.00001.

Submission:

Ambry Genetics
Classification: Uncertain significance for Inborn genetic diseases. Last evaluated: 2022-07-15. Review status: criteria provided, single submitter. Criteria: Ambry Variant Classification Scheme 2023. Collection method: clinical testing. Allele origin: germline.
Comment: The p.V263A variant (also known as c.788T>C), located in coding exon 8 of the MDH2 gene, results from a T to C substitution at nucleotide position 788. The valine at codon 263 is replaced by alanine, an amino acid with similar properties. This amino acid position is conserved. In addition, the in silico prediction for this alteration is inconclusive. Since supporting evidence is limited at this time, the clinical significance of this alteration remains unclear.